The following is an entry in ClinVar:

ClinVar aggregate classification (germline): Uncertain significance (1 of 4 stars; one submission).

Conditions:
Neuropathy, hereditary sensory and autonomic, type 2A (HSAN2A). Also called: ACROOSTEOLYSIS, GIACCAI TYPE; ACROOSTEOLYSIS, NEUROGENIC; MORVAN DISEASE; NEUROPATHY, CONGENITAL SENSORY; NEUROPATHY, HEREDITARY SENSORY RADICULAR, AUTOSOMAL RECESSIVE; NEUROPATHY, HEREDITARY SENSORY, TYPE IIA. Identifiers: Orphanet 970, MedGen C2752089, MONDO:0024309, OMIM 201300.
Generalized epilepsy with febrile seizures plus, type 7 (GEFSP7). Also called: GEFS+, TYPE 7. Identifiers: Orphanet 36387, MedGen C2751778, MONDO:0013470, OMIM 613863.

Submission:

Labcorp Genetics (formerly Invitae), Labcorp
Classification: Uncertain significance for Neuropathy, hereditary sensory and autonomic, type 2A; Generalized epilepsy with febrile seizures plus, type 7. Last evaluated: 2022-11-14. Review status: criteria provided, single submitter. Criteria: Invitae Variant Classification Sherloc (09022015). Collection method: clinical testing. Allele origin: germline.
Comment: This sequence change creates a premature translational stop signal (p.Ser1931Lysfs*18) in the SCN9A gene. While this is not anticipated to result in nonsense mediated decay, it is expected to disrupt the last 47 amino acid(s) of the SCN9A protein. This variant is not present in population databases (gnomAD no frequency). This variant has not been reported in the literature in individuals affected with SCN9A-related conditions. Experimental studies and prediction algorithms are not available or were not evaluated, and the functional significance of this variant is currently unknown. In summary, the available evidence is currently insufficient to determine the role of this variant in disease. Therefore, it has been classified as a Variant of Uncertain Significance.

NM_001365536.1(SCN9A):c.5824dup (p.Ser1942fs)

Genes: SCN9A (sodium voltage-gated channel alpha subunit 9; minus strand), SCN1A-AS1 (SCN1A and SCN9A antisense RNA 1; plus strand). Cytogenetic location: 2q24.3.
Variant type: Duplication.
Coding change: c.5824dup on transcript NM_001365536.1 (MANE Select); coding-DNA position 5824, one base duplicated (A; older notation c.5824dupA).
Protein change: p.Ser1942fs; shifts the reading frame from serine 1942.
Molecular consequence: frameshift variant.
Genome position (GRCh38, 1-based): chr2:166,198,815, T duplicated on the plus strand (A on the coding strand, the reverse complement: SCN9A is on the minus strand); the first of 2 consecutive T bases (chr2:166,198,815-166,198,816); duplicating either gives the same sequence. VCF-style (leftmost placement, unchanged base first): chr2-166198814-C-CT. GRCh37 (hg19) VCF-style: chr2-167055324-C-CT.
Other names: c.5790dup, p.Ser1931Lysfs (NM_002977.4); short protein forms S1942fs, S1931fs.
Identifiers: ClinVar variation 2941536 (VCV002941536.3), dbSNP rs2468874117, ClinGen allele CA2740095876.